The following is an entry in ClinVar:

NM_003754.3(EIF3F):c.962A>G (p.Asp321Gly)

Genes: EIF3F (eukaryotic translation initiation factor 3 subunit F; plus strand), LOC126861132 (CDK7 strongly-dependent group 2 enhancer GRCh37_chr11:8016231-8017430; plus strand). Cytogenetic location: 11p15.4.
Variant type: single nucleotide variant.
Coding change: c.962A>G on transcript NM_003754.3 (MANE Select); coding-DNA position 962, A replaced by G.
Protein change: p.Asp321Gly; replaces aspartic acid 321 with glycine.
Molecular consequence: missense variant.
Genome position (GRCh38, 1-based): chr11:7,995,333, A>G. VCF-style: chr11-7995333-A-G. GRCh37 (hg19) VCF-style: chr11-8016880-A-G.
Other names: short protein forms D321G.
Identifiers: ClinVar variation 3766226 (VCV003766226.1).

ClinVar aggregate classification (germline): Uncertain significance (1 of 4 stars; one submission).

Submission:

GeneDx
Classification: Uncertain significance. Last evaluated: 2024-08-27. Review status: criteria provided, single submitter. Criteria: GeneDx Variant Classification Process June 2021. Collection method: clinical testing. Allele origin: germline. Affected: yes.
Comment: Not observed at significant frequency in large population cohorts (gnomAD); In silico analysis supports that this missense variant has a deleterious effect on protein structure/function; Has not been previously published as pathogenic or benign to our knowledge